The following is an entry in ClinVar:

ClinVar aggregate classification (germline): Pathogenic (1 of 4 stars; one submission).

Conditions:
Hereditary breast ovarian cancer syndrome. Also called: Hereditary breast and ovarian cancer syndrome (HBOC); BRCA1- and BRCA2-Associated Hereditary Breast and Ovarian Cancer; Hereditary breast and ovarian cancer syndrome; Breast and ovarian cancer; Hereditary breast and ovarian cancer; Hereditary breast and/or ovarian cancer syndrome. Identifiers: Orphanet 145, MedGen C0677776, MeSH D061325, MONDO:0003582. Disease mechanism: loss of function.

Submission:

Labcorp Genetics (formerly Invitae), Labcorp
Classification: Pathogenic for Hereditary breast ovarian cancer syndrome. Last evaluated: 2017-09-12. Review status: criteria provided, single submitter. Criteria: Invitae Variant Classification Sherloc (09022015). Collection method: clinical testing. Allele origin: germline.
Comment: This sequence change creates a premature translational stop signal (p.Cys1580Trpfs*2) in the BRCA2 gene. It is expected to result in an absent or disrupted protein product. This variant is not present in population databases (ExAC no frequency). This variant has not been reported in the literature in individuals with BRCA2-related disease. Loss-of-function variants in BRCA2 are known to be pathogenic (PMID: 20104584). For these reasons, this variant has been classified as Pathogenic.

Literature cited by the submitters: PubMed 20104584.

NM_000059.4(BRCA2):c.4739dup (p.Cys1580fs)

Gene: BRCA2 (BRCA2 DNA repair associated; plus strand). Cytogenetic location: 13q13.1.
Variant type: Duplication.
Coding change: c.4739dup on transcript NM_000059.4 (MANE Select); coding-DNA position 4739, one base duplicated (G; older notation c.4739dupG).
Protein change: p.Cys1580fs; shifts the reading frame from cysteine 1580.
Molecular consequence: frameshift variant.
Genome position (GRCh38, 1-based): chr13:32,339,094, G duplicated. VCF-style (leftmost placement, unchanged base first): chr13-32339093-T-TG. GRCh37 (hg19) VCF-style: chr13-32913230-T-TG.
Other names: c.4739dupG (NM_000059.3); short protein forms C1580fs.
Identifiers: ClinVar variation 531372 (VCV000531372.7), dbSNP rs1555283924, ClinGen allele CA658798096.